The following is an entry in ClinVar:

NM_021267.5(CERS1):c.663C>T (p.Leu221=)

Genes: CERS1 (ceramide synthase 1; minus strand), GDF1 (growth differentiation factor 1; minus strand). Cytogenetic location: 19p13.11.
Variant type: single nucleotide variant.
Coding change: c.663C>T on transcript NM_021267.5 (MANE Select); coding-DNA position 663, C replaced by T.
Protein change: p.Leu221=; no amino-acid change (leucine 221 retained).
Molecular consequence: synonymous variant. On other transcripts: 5 prime UTR variant (1), intron variant (1).
Genome position (GRCh38, 1-based): chr19:18,880,363, G>A on the plus strand (C>T on the coding strand, the complement: CERS1 is on the minus strand). VCF-style: chr19-18880363-G-A. GRCh37 (hg19) VCF-style: chr19-18991172-G-A.
Other names: c.369C>T, p.Leu123= (NM_001290265.2, NM_001387442.1, NM_001387443.1 and 2 more transcripts); c.663C>T, p.Leu221= (NM_001387439.1, NM_001387440.1, NM_198207.3); c.618C>T, p.Leu206= (NM_001387441.1); c.-660C>T (NM_001492.6); c.-313+3724C>T (NM_001387438.1).
Identifiers: ClinVar variation 747419 (VCV000747419.11), dbSNP rs535134210, ClinGen allele CA9318186.
Genomic context (GRCh38, chr19:18,880,363, plus strand): 5'-GTCTGCTGCCAAGGCATGCAGCCGATGGTAGGAGCCGCCGCGGGACTTGAAGTAAATGTT[G>A]AGCTTGGTGAACTCAAGCTGCACGTCACTGATATCGTGCAGGAAGAGCACAAGGATGCCC-3'
Protein context (NP_067090.1, residues 211-231): ISDVQLEFTK[Leu221=]NIYFKSRGGS

ClinVar aggregate classification (germline): Likely benign. Review status: criteria provided, multiple submitters, no conflicts (2 of 4 stars). 3 submissions from 3 submitters: Likely benign (3). Last evaluated 2025-10-03.

Conditions:
CERS1-related disorder. Also called: CERS1-related condition.
Progressive myoclonic epilepsy type 8. Identifiers: Orphanet 424027, MedGen C5190825, MONDO:0014545, OMIM 616230.

Allele frequency attached by ClinVar (database versions not stated): gnomAD 0.00010; gnomAD exomes 0.00011 and 0.00014; TOPMed 0.00014; ExAC 0.00016.
gnomAD v4.1: 207 of 1,571,820 alleles (0.013%); highest among the groups gnomAD compares: Non-Finnish European, 0.015%; no homozygotes.

Submissions (3):

PreventionGenetics, part of Exact Sciences
Classification: Likely benign for CERS1-related condition. Last evaluated: 2025-10-03. Review status: criteria provided, single submitter. Criteria: ACMG Guidelines, 2015. Collection method: clinical testing. Allele origin: germline.
Comment: This variant is classified as likely benign based on ACMG/AMP sequence variant interpretation guidelines (Richards et al. 2015 PMID: 25741868, with internal and published modifications).

Labcorp Genetics (formerly Invitae), Labcorp
Classification: Likely benign for Progressive myoclonic epilepsy type 8. Last evaluated: 2025-06-19. Review status: criteria provided, single submitter. Criteria: Invitae Variant Classification Sherloc (09022015). Collection method: clinical testing. Allele origin: germline.

Blueprint Genetics
Classification: Likely benign. Last evaluated: 2024-11-12. Review status: criteria provided, single submitter. Criteria: ACMG Guidelines, 2015. Collection method: clinical testing. Allele origin: germline.